The following is an entry in ClinVar:

ClinVar aggregate classification (germline): Likely benign (1 of 4 stars; one submission).

Allele frequency attached by ClinVar (database versions not stated): ESP Exome Variant Server 0.00137; gnomAD 0.00169 and 0.00171; 1000 Genomes Project 0.00180; 1000 Genomes Project 30x 0.00187.
gnomAD v4.1: 3,774 of 1,552,366 alleles (0.24%); highest among the groups gnomAD compares: Non-Finnish European, 0.29%; 6 homozygotes.

Submission:

CeGaT Center for Human Genetics Tuebingen
Classification: Likely benign. Last evaluated: 2026-08-01. Review status: criteria provided, single submitter. Criteria: CeGaT Center For Human Genetics Tuebingen Variant Classification Criteria Version 2. Collection method: clinical testing. Allele origin: germline. Affected: yes. Observed: 7 variant alleles.
Comment: ISCA1: BP4

NM_030940.4(ISCA1):c.-2A>C

Genes: ISCA1 (iron-sulfur cluster assembly 1; minus strand), LOC130001967 (ATAC-STARR-seq lymphoblastoid active region 28514; plus strand). Cytogenetic location: 9q21.33.
Variant type: single nucleotide variant.
Coding change: c.-2A>C on transcript NM_030940.4 (MANE Select); 2 bases upstream of the start codon, A replaced by C.
Molecular consequence: 5 prime UTR variant.
Genome position (GRCh38, 1-based): chr9:86,282,460, T>G on the plus strand (A>C on the coding strand, the complement: ISCA1 is on the minus strand). VCF-style: chr9-86282460-T-G. GRCh37 (hg19) VCF-style: chr9-88897375-T-G.
Identifiers: ClinVar variation 1695254 (VCV001695254.31), dbSNP rs376706009, ClinGen allele CA5108319.